The following is an entry in ClinVar:

NM_004482.4(GALNT3):c.1524+5G>A

Gene: GALNT3 (polypeptide N-acetylgalactosaminyltransferase 3; minus strand). Cytogenetic location: 2q24.3.
Variant type: single nucleotide variant.
Coding change: c.1524+5G>A on transcript NM_004482.4 (MANE Select); 5 bases into the intron after coding-DNA position 1524, G replaced by A.
Molecular consequence: intron variant.
Genome position (GRCh38, 1-based): chr2:165,754,927, C>T on the plus strand (G>A on the coding strand, the complement: GALNT3 is on the minus strand). VCF-style: chr2-165754927-C-T. GRCh37 (hg19) VCF-style: chr2-166611437-C-T.
Other names: IVS7DS, G-A, +5.
Identifiers: ClinVar variation 7793 (VCV000007793.9), dbSNP rs375879489, ClinGen allele CA212878.

ClinVar aggregate classification (germline): Pathogenic. Review status: criteria provided, multiple submitters, no conflicts (2 of 4 stars). 3 submissions from 3 submitters: Pathogenic (2). 1 of the submissions does not count toward it. Last evaluated 2024-10-23.

Conditions:
Tumoral calcinosis, hyperphosphatemic, familial, 1. Also called: LIPOCALCINOGRANULOMATOSIS; MORBUS TEUTSCHLAENDER; CORTICAL HYPEROSTOSIS WITH HYPERPHOSPHATEMIA; CALCINOSIS, TUMORAL, WITH HYPERPHOSPHATEMIA; HYPEROSTOSIS WITH HYPERPHOSPHATEMIA; HYPEROSTOSIS-HYPERPHOSPHATEMIA SYNDROME. Identifiers: Orphanet 53715, MedGen C4692564, MONDO:0100252, OMIM 211900.

Allele frequency attached by ClinVar (database versions not stated): gnomAD 0.00006; 1000 Genomes Project 30x 0.00016; TOPMed 0.00007; ESP Exome Variant Server 0.00008; 1000 Genomes Project 0.00020.
gnomAD v4.1: 16 of 1,613,232 alleles (0.00099%); highest among the groups gnomAD compares: African/African-American, 0.017%; no homozygotes.

Submissions (3):

Labcorp Genetics (formerly Invitae), Labcorp
Classification: Pathogenic. Last evaluated: 2024-10-23. Review status: criteria provided, single submitter. Criteria: Invitae Variant Classification Sherloc (09022015). Collection method: clinical testing. Allele origin: germline.
Comment: This sequence change falls in intron 8 of the GALNT3 gene. It does not directly change the encoded amino acid sequence of the GALNT3 protein. It affects a nucleotide within the consensus splice site. This variant is present in population databases (rs375879489, gnomAD 0.02%). This variant has been observed in individual(s) with familial tumoral calcinosis (PMID: 15133511). In at least one individual the data is consistent with being in trans (on the opposite chromosome) from a pathogenic variant. It has also been observed to segregate with disease in related individuals. ClinVar contains an entry for this variant (Variation ID: 7793). Variants that disrupt the consensus splice site are a relatively common cause of aberrant splicing (PMID: 17576681, 9536098). Algorithms developed to predict the effect of sequence changes on RNA splicing suggest that this variant may disrupt the consensus splice site. For these reasons, this variant has been classified as Pathogenic.

Fulgent Genetics
Classification: Pathogenic for Tumoral calcinosis, hyperphosphatemic, familial, 1. Last evaluated: 2024-02-21. Review status: criteria provided, single submitter. Criteria: ACMG Guidelines, 2015. Collection method: clinical testing. Allele origin: germline.

OMIM
Classification: Pathogenic for TUMORAL CALCINOSIS, HYPERPHOSPHATEMIC, FAMILIAL, 1. Last evaluated: 2004-06-01. Review status: no assertion criteria provided. Collection method: literature only. Allele origin: germline. Not counted in ClinVar's aggregate classification.

Literature cited by the submitters: PubMed 15133511 (cited by Labcorp Genetics (formerly Invitae), Labcorp and OMIM); PubMed 17576681 (cited by Labcorp Genetics (formerly Invitae), Labcorp); PubMed 9536098 (cited by Labcorp Genetics (formerly Invitae), Labcorp).